The following is an entry in ClinVar:

ClinVar aggregate classification (germline): Uncertain significance (1 of 4 stars; one submission).

Conditions:
Long QT syndrome 10 (LQT10). Identifiers: Orphanet 101016, Orphanet 768, MedGen C2678484, MONDO:0012737, OMIM 611819.

gnomAD v4.1: 2 of 1,612,366 alleles (0.00012%); highest among the groups gnomAD compares: Non-Finnish European, 0.00017%; no homozygotes.

Submission:

Labcorp Genetics (formerly Invitae), Labcorp
Classification: Uncertain significance for Long QT syndrome 10. Last evaluated: 2024-10-22. Review status: criteria provided, single submitter. Criteria: Invitae Variant Classification Sherloc (09022015). Collection method: clinical testing. Allele origin: germline.
Comment: This sequence change replaces valine, which is neutral and non-polar, with alanine, which is neutral and non-polar, at codon 173 of the SCN4B protein (p.Val173Ala). This variant is present in population databases (no rsID available, gnomAD 0.0009%). This variant has not been reported in the literature in individuals affected with SCN4B-related conditions. An algorithm developed to predict the effect of missense changes on protein structure and function (PolyPhen-2) suggests that this variant is likely to be tolerated. In summary, the available evidence is currently insufficient to determine the role of this variant in disease. Therefore, it has been classified as a Variant of Uncertain Significance.

NM_174934.4(SCN4B):c.518T>C (p.Val173Ala)

Gene: SCN4B (sodium voltage-gated channel beta subunit 4; minus strand). Cytogenetic location: 11q23.3.
Variant type: single nucleotide variant.
Coding change: c.518T>C on transcript NM_174934.4 (MANE Select); coding-DNA position 518, T replaced by C.
Protein change: p.Val173Ala; replaces valine 173 with alanine.
Molecular consequence: missense variant. On other transcripts: non-coding transcript variant (1).
Genome position (GRCh38, 1-based): chr11:118,141,282, A>G on the plus strand (T>C on the coding strand, the complement: SCN4B is on the minus strand). VCF-style: chr11-118141282-A-G. GRCh37 (hg19) VCF-style: chr11-118011997-A-G.
Other names: c.116T>C, p.Val39Ala (NM_001142348.2); c.188T>C, p.Val63Ala (NM_001142349.2); short protein forms V173A, V39A, V63A.
Identifiers: ClinVar variation 3677501 (VCV003677501.2).
Genomic context (GRCh38, chr11:118,141,282, plus strand): 5'-TTCTTCAGGATGAAGATGATGAGTTTCTTGATCAGCAGGATGAGGATGAGGAGCCCGATG[A>G]CCCCGCCCACGACAGCCAGGATGATGAGTGTCACTGTGTTGTCCACTTCTTCCACTGTGT-3'
Protein context (NP_777594.1, residues 163-183): TLIILAVVGG[Val173Ala]IGLLILILLI